The following is an entry in ClinVar:

NM_000088.4(COL1A1):c.301T>G (p.Ser101Ala)

Gene: COL1A1 (collagen type I alpha 1 chain; minus strand). Cytogenetic location: 17q21.33.
Variant type: single nucleotide variant.
Coding change: c.301T>G on transcript NM_000088.4 (MANE Select); coding-DNA position 301, T replaced by G.
Protein change: p.Ser101Ala; replaces serine 101 with alanine.
Molecular consequence: missense variant.
Genome position (GRCh38, 1-based): chr17:50,199,588, A>C on the plus strand (T>G on the coding strand, the complement: COL1A1 is on the minus strand). VCF-style: chr17-50199588-A-C. GRCh37 (hg19) VCF-style: chr17-48276949-A-C.
Other names: short protein forms S101A.
Identifiers: ClinVar variation 3723138 (VCV003723138.2).
Genomic context (GRCh38, chr17:50,199,588, plus strand): 5'-GGGGCAAAATTCGAGGGCAGGAGATTACCTCGACGCCGGTGGTTTCTTGGTCGGTGGGTG[A>C]CTCTAGGGGACGAAGAGACGCGCGTTAGAGCCAAGGTTTGCTAATGCTGCTCCCGTCGGC-3'
Protein context (NP_000079.2, residues 91-111): CCPVCPDGSE[Ser101Ala]PTDQETTGVE

ClinVar aggregate classification (germline): Uncertain significance (1 of 4 stars; one submission).

Conditions:
Osteogenesis imperfecta type I (OI1). Also called: OI, TYPE I; OSTEOGENESIS IMPERFECTA TARDA; OSTEOGENESIS IMPERFECTA WITH BLUE SCLERAE; Osteogenesis imperfecta type 1; Lobstein's Disease; Lobstein disease. Identifiers: Orphanet 216796, Orphanet 666, MedGen C0023931, MONDO:0008146, OMIM 166200. Disease mechanism: loss of function.

Submission:

Labcorp Genetics (formerly Invitae), Labcorp
Classification: Uncertain significance for Osteogenesis imperfecta type I. Last evaluated: 2024-10-17. Review status: criteria provided, single submitter. Criteria: Invitae Variant Classification Sherloc (09022015). Collection method: clinical testing. Allele origin: germline.
Comment: This sequence change replaces serine, which is neutral and polar, with alanine, which is neutral and non-polar, at codon 101 of the COL1A1 protein (p.Ser101Ala). This variant is not present in population databases (gnomAD no frequency). This variant has not been reported in the literature in individuals affected with COL1A1-related conditions. An algorithm developed to predict the effect of missense changes on protein structure and function outputs the following: PolyPhen-2: "Not Available". The alanine amino acid residue is found in multiple mammalian species, which suggests that this missense change does not adversely affect protein function. In summary, the available evidence is currently insufficient to determine the role of this variant in disease. Therefore, it has been classified as a Variant of Uncertain Significance.